The following is an entry in ClinVar:

ClinVar aggregate classification (germline): Uncertain significance (1 of 4 stars; one submission).

Conditions:
Intellectual developmental disorder with dysmorphic facies and ptosis (IDDDFP). Identifiers: Orphanet 698090, MedGen C4310617, MONDO:0015022, OMIM 617333.

Submission:

Victorian Clinical Genetics Services, Murdoch Childrens Research Institute
Classification: Uncertain significance for Intellectual developmental disorder with dysmorphic facies and ptosis. Last evaluated: 2023-07-17. Review status: criteria provided, single submitter. Criteria: ACMG Guidelines, 2015. Collection method: clinical testing. Allele origin: germline. Inheritance: Autosomal dominant inheritance. Affected: yes.
Comment: Based on the classification scheme VCGS_Germline_v1.3.4, this variant is classified as VUS-3A. Following criteria are met: 0102 - Loss of function is a known mechanism of disease in this gene and is associated with intellectual developmental disorder with dysmorphic facies and ptosis (MIM#617333). (I) 0107 - This gene is associated with autosomal dominant disease. (I) 0115 - Variants in this gene are known to have variable expressivity (PMID: 32010779, OMIM). (I) 0200 - Variant is predicted to result in a missense amino acid change from valine to methionine. (I) 0251 - This variant is heterozygous. (I) 0301 - Variant is absent from gnomAD (both v2 and v3). (SP) 0503 - Missense variant consistently predicted to be tolerated by multiple in silico tools or not conserved in placental mammals with a minor amino acid change. (SB) 0604 - Variant is not located in an established domain, motif, hotspot or informative constraint region. (I) 0705 - No comparable missense variants have previous evidence for pathogenicity. (I) 0807 - This variant has no previous evidence of pathogenicity. (I) 0905 - No published segregation evidence has been identified for this variant. (I) 1007 - No published functional evidence has been identified for this variant. (SP) Legend: (SP) - Supporting pathogenic, (I) - Information, (SB) - Supporting benign

Literature cited by the submitters: PubMed 32010779.

NM_001003694.2(BRPF1):c.2362G>A (p.Val788Met)

Gene: BRPF1 (bromodomain and PHD finger containing 1; plus strand). Cytogenetic location: 3p25.3.
Variant type: single nucleotide variant.
Coding change: c.2362G>A on transcript NM_001003694.2 (MANE Select); coding-DNA position 2362, G replaced by A.
Protein change: p.Val788Met; replaces valine 788 with methionine.
Molecular consequence: missense variant. On other transcripts: non-coding transcript variant (1).
Genome position (GRCh38, 1-based): chr3:9,743,628, G>A. VCF-style: chr3-9743628-G-A. GRCh37 (hg19) VCF-style: chr3-9785312-G-A.
Other names: c.2344G>A, p.Val782Met (NM_001319049.2, NM_004634.3); c.2341G>A, p.Val781Met (NM_001319050.2); c.2359G>A, p.Val787Met (NM_001410704.1); short protein forms V781M, V782M, V787M, V788M.
Identifiers: ClinVar variation 3254718 (VCV003254718.1), dbSNP rs1575163738.